The following is an entry in ClinVar:

ClinVar aggregate classification (germline): Uncertain significance (1 of 4 stars; one submission).

Allele frequency attached by ClinVar (database versions not stated): gnomAD exomes below 0.00001; gnomAD 0.00001; TOPMed 0.00002.
gnomAD v4.1: 11 of 1,613,908 alleles (0.00068%); highest among the groups gnomAD compares: Middle Eastern, 0.049%; no homozygotes.

Submission:

Labcorp Genetics (formerly Invitae), Labcorp
Classification: Uncertain significance for Combined immunodeficiency due to DOCK8 deficiency. Last evaluated: 2023-08-04. Review status: criteria provided, single submitter. Criteria: Invitae Variant Classification Sherloc (09022015). Collection method: clinical testing. Allele origin: germline.
Comment: In summary, the available evidence is currently insufficient to determine the role of this variant in disease. Therefore, it has been classified as a Variant of Uncertain Significance. Advanced modeling of protein sequence and biophysical properties (such as structural, functional, and spatial information, amino acid conservation, physicochemical variation, residue mobility, and thermodynamic stability) performed at Invitae indicates that this missense variant is expected to disrupt DOCK8 protein function. ClinVar contains an entry for this variant (Variation ID: 1976361). This variant has not been reported in the literature in individuals affected with DOCK8-related conditions. This variant is present in population databases (no rsID available, gnomAD 0.003%). This sequence change replaces glutamic acid, which is acidic and polar, with glycine, which is neutral and non-polar, at codon 988 of the DOCK8 protein (p.Glu988Gly).

NM_203447.4(DOCK8):c.2963A>G (p.Glu988Gly)

Gene: DOCK8 (dedicator of cytokinesis 8; plus strand). Cytogenetic location: 9p24.3.
Variant type: single nucleotide variant.
Coding change: c.2963A>G on transcript NM_203447.4 (MANE Select); coding-DNA position 2963, A replaced by G.
Protein change: p.Glu988Gly; replaces glutamic acid 988 with glycine.
Molecular consequence: missense variant.
Genome position (GRCh38, 1-based): chr9:390,559, A>G. VCF-style: chr9-390559-A-G. GRCh37 (hg19) VCF-style: chr9-390559-A-G.
Other names: c.2663A>G, p.Glu888Gly (NM_001190458.2); c.2759A>G, p.Glu920Gly (NM_001193536.2); short protein forms E888G, E988G, E920G.
Identifiers: ClinVar variation 1976361 (VCV001976361.4), dbSNP rs1245429830, ClinGen allele CA372751290.